The following is an entry in ClinVar:

NM_004706.4(ARHGEF1):c.1434G>A (p.Leu478=)

Gene: ARHGEF1 (Rho guanine nucleotide exchange factor 1; plus strand). Cytogenetic location: 19q13.2.
Variant type: single nucleotide variant.
Coding change: c.1434G>A on transcript NM_004706.4 (MANE Select); coding-DNA position 1434, G replaced by A.
Protein change: p.Leu478=; no amino-acid change (leucine 478 retained).
Molecular consequence: synonymous variant.
Genome position (GRCh38, 1-based): chr19:41,902,293, G>A. VCF-style: chr19-41902293-G-A. GRCh37 (hg19) VCF-style: chr19-42406443-G-A.
Other names: c.1479G>A (NM_199002.1); c.1335G>A, p.Leu445= (NM_198977.2); c.1479G>A, p.Leu493= (NM_199002.2).
Identifiers: ClinVar variation 1165199 (VCV001165199.13), dbSNP rs35481465, ClinGen allele CA9466374.
Genomic context (GRCh38, chr19:41,902,293, plus strand): 5'-CCAGACCCTGGTGGAGCATCCCTTTCCTCCTGCCCCCACAGCCCTGTTCCTCGATCGCCT[G>A]ATGAAGCGGAGGCAGGAGAGTGGCTACCTCATCGAGGAGATCGGAGACGTGCTGCTGGCC-3'
Protein context (NP_004697.2, residues 468-488): IEVHSLFLDR[Leu478=]MKRRQESGYL

ClinVar aggregate classification (germline): Benign/Likely benign. Review status: criteria provided, multiple submitters, no conflicts (2 of 4 stars). 4 submissions from 4 submitters: Benign (2); Likely benign (1). 1 of the submissions does not count toward it. Last evaluated 2026-01-23.

Conditions:
ARHGEF1-related disorder. Also called: ARHGEF1-related condition.

Allele frequency attached by ClinVar (database versions not stated): gnomAD exomes 0.00016 and 0.00035; ExAC 0.00045; ESP Exome Variant Server 0.00123; gnomAD 0.00139 and 0.00143; TOPMed 0.00151; 1000 Genomes Project 0.00180; 1000 Genomes Project 30x 0.00187.
gnomAD v4.1: 464 of 1,614,218 alleles (0.029%); highest among the groups gnomAD compares: African/African-American, 0.44%; no homozygotes.

Submissions (4):

Labcorp Genetics (formerly Invitae), Labcorp
Classification: Benign. Last evaluated: 2026-01-23. Review status: criteria provided, single submitter. Criteria: Invitae Variant Classification Sherloc (09022015). Collection method: clinical testing. Allele origin: germline.

Blueprint Genetics
Classification: Likely benign. Last evaluated: 2024-10-09. Review status: criteria provided, single submitter. Criteria: ACMG Guidelines, 2015. Collection method: clinical testing. Allele origin: germline.

Breakthrough Genomics
Classification: Benign. Review status: criteria provided, single submitter. Criteria: ACMG Guidelines, 2015. Collection method: not provided. Allele origin: germline. Inheritance: Autosomal recessive inheritance. Affected: yes.

PreventionGenetics, part of Exact Sciences
Classification: Likely benign for ARHGEF1-related condition. Last evaluated: 2019-12-09. Review status: no assertion criteria provided. Collection method: clinical testing. Allele origin: germline. Not counted in ClinVar's aggregate classification.
Comment: This variant is classified as likely benign based on ACMG/AMP sequence variant interpretation guidelines (Richards et al. 2015 PMID: 25741868, with internal and published modifications).